The following is an entry in ClinVar:

NM_020347.4(LZTFL1):c.457-1G>T

Gene: LZTFL1 (leucine zipper transcription factor like 1; minus strand). Cytogenetic location: 3p21.31.
Variant type: single nucleotide variant.
Coding change: c.457-1G>T on transcript NM_020347.4 (MANE Select); the canonical splice acceptor site of the intron before coding-DNA position 457, G replaced by T.
Molecular consequence: splice acceptor variant. On other transcripts: intron variant (1).
Genome position (GRCh38, 1-based): chr3:45,831,139, C>A on the plus strand (G>T on the coding strand, the complement: LZTFL1 is on the minus strand). VCF-style: chr3-45831139-C-A. GRCh37 (hg19) VCF-style: chr3-45872631-C-A.
Other names: c.481-1G>T (NM_001405925.1, NM_001405920.1); c.445-1G>T (NM_001276379.2, NM_001405921.1); c.406-1G>T (NM_001405927.1, NM_001276378.2, NM_001405926.1 and 4 more transcripts); c.457-149G>T (NM_001405924.1); c.457-1G>T (NM_001386452.1).
Identifiers: ClinVar variation 1333226 (VCV001333226.1), dbSNP rs2125680264, ClinGen allele CA352450755.
Genomic context (GRCh38, chr3:45,831,139, plus strand): 5'-TTCAATGGTCTTCAACCTTGACTTCAATTTCTCATTCTCTTCTTGAAGTCTTAAAATTTC[C>A]TTTGTGAGTAAATTCAAATTTTATTATATTAACCAAAATATTTTAATATTTGAAATTATT-3'

ClinVar aggregate classification (germline): Likely pathogenic (1 of 4 stars; one submission).

Conditions:
Bardet-Biedl syndrome 17 (BBS17). Identifiers: Orphanet 110, MedGen C3714980, MONDO:0014445, OMIM 615994.

Submission:

3billion
Classification: Likely pathogenic for Bardet-Biedl syndrome 17. Last evaluated: 2022-01-03. Review status: criteria provided, single submitter. Criteria: ACMG Guidelines, 2015. Collection method: clinical testing. Allele origin: germline. Affected: yes. Observed: 1 homozygote.
Comment: Canonical splice site: predicted to alter splicing and result in a loss or disruption of normal protein function through protein truncation. Multiple pathogenic variants are reported in the predicted truncated region (PVS1_VS).It is not observed in the gnomAD v2.1.1 dataset (PM2_M). Therefore, this variant is classified as likely pathogenic according to the recommendation of ACMG/AMP guideline.